The following is an entry in ClinVar:

ClinVar aggregate classification (germline): Likely benign (1 of 4 stars; one submission).

Conditions:
Hereditary breast ovarian cancer syndrome. Also called: Hereditary breast and ovarian cancer; Hereditary breast and ovarian cancer syndrome (HBOC); Breast and ovarian cancer; Hereditary breast and/or ovarian cancer syndrome; BRCA1- and BRCA2-Associated Hereditary Breast and Ovarian Cancer; Hereditary breast and ovarian cancer syndrome. Identifiers: Orphanet 145, MedGen C0677776, MeSH D061325, MONDO:0003582. Disease mechanism: loss of function.

Submissions (2):

Labcorp Genetics (formerly Invitae), Labcorp
Classification: Likely benign for Hereditary breast ovarian cancer syndrome. Last evaluated: 2024-04-29. Review status: criteria provided, single submitter. Criteria: Invitae Variant Classification Sherloc (09022015). Collection method: clinical testing. Allele origin: germline.

Brotman Baty Institute, University of Washington
No classification provided (evidence only). Condition: Breast-ovarian cancer, familial 1. Review status: no classification provided. Collection method: in vitro. Allele origin: not applicable. Functional consequence: functionally_normal. Not counted in ClinVar's aggregate classification.
ClinVar note: "not provided" was previously submitted as the classification for the variant. However, the classification appeared to be based only on an observation of functional data so it was converted to no classification on 2025-07-30.

NM_007294.4(BRCA1):c.81-8C>G

Gene: BRCA1 (BRCA1 DNA repair associated; minus strand). Cytogenetic location: 17q21.31.
Variant type: single nucleotide variant.
Coding change: c.81-8C>G on transcript NM_007294.4 (MANE Select); 8 bases into the intron before coding-DNA position 81, C replaced by G.
Molecular consequence: intron variant.
Genome position (GRCh38, 1-based): chr17:43,115,787, G>C on the plus strand (C>G on the coding strand, the complement: BRCA1 is on the minus strand). VCF-style: chr17-43115787-G-C. GRCh37 (hg19) VCF-style: chr17-41267804-G-C.
Other names: c.-61-8C>G (NM_001408458.1, NM_001408470.1, NM_001407848.1 and 47 more transcripts); c.-219+9490C>G (NM_001407967.1); c.-170+9490C>G (NM_001407959.1); c.-7-9254C>G (NM_001407931.1, NM_001407747.1, NM_001408511.1 and 2 more transcripts); c.-223-8C>G (NM_001407962.1, NM_001408512.1, NM_001408510.1 and 1 more transcripts); c.-108-8C>G (NM_001407885.1, NM_001407886.1, NM_001408509.1 and 52 more transcripts); c.-177-8C>G (NM_001407746.1, NM_001408468.1, NM_001407842.1 and 13 more transcripts); c.-8+8230C>G (NM_001408461.1, NM_001407738.1, NM_001407932.1 and 23 more transcripts); and 10 more.
Identifiers: ClinVar variation 867771 (VCV000867771.12), dbSNP rs2055266073, ClinGen allele CA916081038.